The following is an entry in ClinVar:

NM_000257.4(MYH7):c.183C>G (p.Ala61=)

Gene: MYH7 (myosin heavy chain 7; minus strand). Cytogenetic location: 14q11.2.
Variant type: single nucleotide variant.
Coding change: c.183C>G on transcript NM_000257.4 (MANE Select); coding-DNA position 183, C replaced by G.
Protein change: p.Ala61=; no amino-acid change (alanine 61 retained).
Molecular consequence: synonymous variant.
Genome position (GRCh38, 1-based): chr14:23,433,550, G>C on the plus strand (C>G on the coding strand, the complement: MYH7 is on the minus strand). VCF-style: chr14-23433550-G-C. GRCh37 (hg19) VCF-style: chr14-23902759-G-C.
Identifiers: ClinVar variation 666721 (VCV000666721.8), dbSNP rs370743876, ClinGen allele CA029433.

ClinVar aggregate classification (germline): Likely benign. Review status: criteria provided, multiple submitters, no conflicts (2 of 4 stars). 2 submissions from 2 submitters: Likely benign (2). Last evaluated 2026-01-06.

Conditions:
Hypertrophic cardiomyopathy. Also called: HYPERTROPHIC MYOCARDIOPATHY. Identifiers: Orphanet 217569, MedGen C0007194, MeSH D002312, MONDO:0005045, HP:0001639.

Allele frequency attached by ClinVar (database versions not stated): ExAC 0.00001; TOPMed 0.00002; ESP Exome Variant Server 0.00008.
gnomAD v4.1: 3 of 1,613,946 alleles (0.00019%); highest among the groups gnomAD compares: African/African-American, 0.004%; no homozygotes.

Submissions (2):

Labcorp Genetics (formerly Invitae), Labcorp
Classification: Likely benign for Hypertrophic cardiomyopathy. Last evaluated: 2026-01-06. Review status: criteria provided, single submitter. Criteria: Invitae Variant Classification Sherloc (09022015). Collection method: clinical testing. Allele origin: germline.

Laboratory for Molecular Medicine, Mass General Brigham Personalized Medicine
Classification: Likely benign. Last evaluated: 2012-03-19. Review status: criteria provided, single submitter. Criteria: LMM Criteria. Collection method: clinical testing. Allele origin: germline. Observed: 1 variant allele.
Comment: p.Ala61Ala in Exon 03 of MYH7: This variant is not expected to have clinical sig nificance because it does not alter an amino acid residue, is not located within the splice consensus sequence. It has been identified in 1/3738 African America n chromosomes from a broad population by the NHLBI Exome Sequencing Project.